The following is an entry in ClinVar:

ClinVar aggregate classification (germline): Pathogenic (1 of 4 stars; one submission).

Conditions:
Leber congenital amaurosis 12 (LCA12). Identifiers: Orphanet 65, MedGen C1857743, MONDO:0012525, OMIM 610612.

Submission:

Labcorp Genetics (formerly Invitae), Labcorp
Classification: Pathogenic for Leber congenital amaurosis 12. Last evaluated: 2022-06-14. Review status: criteria provided, single submitter. Criteria: Invitae Variant Classification Sherloc (09022015). Collection method: clinical testing. Allele origin: germline.
Comment: For these reasons, this variant has been classified as Pathogenic. This variant has not been reported in the literature in individuals affected with RD3-related conditions. This variant is not present in population databases (gnomAD no frequency). This sequence change creates a premature translational stop signal (p.Pro13Hisfs*18) in the RD3 gene. It is expected to result in an absent or disrupted protein product. Loss-of-function variants in RD3 are known to be pathogenic (PMID: 23308101).

Literature cited by the submitters: PubMed 23308101.

NM_001164688.2(RD3):c.38del (p.Pro13fs)

Gene: RD3 (RD3 regulator of GUCY2D; minus strand). Cytogenetic location: 1q32.3.
Variant type: Deletion.
Coding change: c.38del on transcript NM_001164688.2 (MANE Select); coding-DNA position 38, one base deleted (C; older notation c.38delC).
Protein change: p.Pro13fs; shifts the reading frame from proline 13.
Molecular consequence: frameshift variant.
Genome position (GRCh38, 1-based): chr1:211,481,378, G deleted on the plus strand (C on the coding strand, the reverse complement: RD3 is on the minus strand); the first of 4 consecutive G bases (chr1:211,481,378-211,481,381); deleting any one gives the same sequence. VCF-style (leftmost placement, unchanged base first): chr1-211481377-TG-T. GRCh37 (hg19) VCF-style: chr1-211654719-TG-T.
Other names: c.38del, p.Pro13fs (NM_183059.3); short protein forms P13fs.
Identifiers: ClinVar variation 2003233 (VCV002003233.4), dbSNP rs2464555363, ClinGen allele CA2580062084.
Genomic context (GRCh38, chr1:211,481,377, plus strand): 5'-CAGCTCCATCATAAGCGTCTCCAGCACCATCTCAGCAGGGCTCCTGGTGGACAGCCGGGA[TG>T]GGGCCTCGTTCCACCGAAGCCATGAGATGAGAGACATAGCCCCTGGCCCTGCTGAGACAG-3'